The following is an entry in ClinVar:

NM_001453.3(FOXC1):c.577G>A (p.Glu193Lys)

Gene: FOXC1 (forkhead box C1; plus strand). Cytogenetic location: 6p25.3.
Variant type: single nucleotide variant.
Coding change: c.577G>A on transcript NM_001453.3 (MANE Select); coding-DNA position 577, G replaced by A.
Protein change: p.Glu193Lys; replaces glutamic acid 193 with lysine.
Molecular consequence: missense variant.
Genome position (GRCh38, 1-based): chr6:1,611,022, G>A. VCF-style: chr6-1611022-G-A. GRCh37 (hg19) VCF-style: chr6-1611257-G-A.
Other names: short protein forms E193K.
Identifiers: ClinVar variation 2415184 (VCV002415184.7), dbSNP rs766912110, ClinGen allele CA3614785.
Genomic context (GRCh38, chr6:1,611,022, plus strand): 5'-CGCTTCAAGAAGAAGGACGCGGTGAAGGACAAGGAGGAGAAGGACAGGCTGCACCTCAAG[G>A]AGCCGCCCCCGCCCGGCCGCCAGCCCCCGCCCGCGCCGCCGGAGCAGGCCGACGGCAACG-3'
Protein context (NP_001444.2, residues 183-203): KEEKDRLHLK[Glu193Lys]PPPPGRQPPP

ClinVar aggregate classification (germline): Uncertain significance. Review status: criteria provided, multiple submitters, no conflicts (2 of 4 stars). 2 submissions from 2 submitters: Uncertain significance (2). Last evaluated 2024-02-24.

Conditions:
Axenfeld-Rieger syndrome type 3 (RIEG3). Also called: AXENFELD-RIEGER ANOMALY WITH CARDIAC DEFECTS AND/OR SENSORINEURAL HEARING LOSS. Identifiers: Orphanet 782, MedGen C2678503, MONDO:0011233, OMIM 602482.
Anterior segment dysgenesis 3 (ASGD3). Also called: IRIDOGONIODYSGENESIS ANOMALY, AUTOSOMAL DOMINANT; Glaucoma iridogoniodysplasia, familial. Identifiers: Orphanet 91483, MedGen C5975707, MONDO:0024456, OMIM 601631.

Allele frequency attached by ClinVar (database versions not stated): gnomAD 0.00001; ExAC 0.00004.
gnomAD v4.1: 6 of 1,582,718 alleles (0.00038%); highest among the groups gnomAD compares: Non-Finnish European, 0.00051%; no homozygotes.

Submissions (2):

Labcorp Genetics (formerly Invitae), Labcorp
Classification: Uncertain significance for Axenfeld-Rieger syndrome type 3. Last evaluated: 2024-02-24. Review status: criteria provided, single submitter. Criteria: Invitae Variant Classification Sherloc (09022015). Collection method: clinical testing. Allele origin: germline.
Comment: This sequence change replaces glutamic acid, which is acidic and polar, with lysine, which is basic and polar, at codon 193 of the FOXC1 protein (p.Glu193Lys). This variant is present in population databases (rs766912110, gnomAD 0.001%). This variant has not been reported in the literature in individuals affected with FOXC1-related conditions. ClinVar contains an entry for this variant (Variation ID: 2415184). An algorithm developed to predict the effect of missense changes on protein structure and function (PolyPhen-2) suggests that this variant is likely to be tolerated. In summary, the available evidence is currently insufficient to determine the role of this variant in disease. Therefore, it has been classified as a Variant of Uncertain Significance.

Fulgent Genetics
Classification: Uncertain significance for Anterior segment dysgenesis 3; Axenfeld-Rieger syndrome type 3. Last evaluated: 2024-02-19. Review status: criteria provided, single submitter. Criteria: ACMG Guidelines, 2015. Collection method: clinical testing. Allele origin: germline.